The following is an entry in ClinVar:

NM_001394372.1(BICRA):c.3941_3948dup (p.Gly1317fs)

Gene: BICRA (BRD4 interacting chromatin remodeling complex associated protein; plus strand). Cytogenetic location: 19q13.33.
Variant type: Duplication.
Coding change: c.3941_3948dup on transcript NM_001394372.1 (MANE Select); coding-DNA positions 3941 to 3948, 8 bases duplicated (AGGAAGCC; older notation c.3941_3948dupAGGAAGCC).
Protein change: p.Gly1317fs; shifts the reading frame from glycine 1317.
Molecular consequence: frameshift variant.
Genome position (GRCh38, 1-based): chr19:47,701,673-47,701,680, AGGAAGCC duplicated; duplicating any 8 consecutive bases within chr19:47,701,672-47,701,680 gives the same sequence; the c. name uses the placement nearest the transcript's 3' end. VCF-style (leftmost placement, unchanged base first): chr19-47701671-G-GCAGGAAGC. GRCh37 (hg19) VCF-style: chr19-48204928-G-GCAGGAAGC.
Other names: c.3941_3948dup, p.Gly1317fs (NM_015711.3); short protein forms G1317fs.
Identifiers: ClinVar variation 3061917 (VCV003061917.1), dbSNP rs2514138333, ClinGen allele CA2740096945.

ClinVar aggregate classification (germline): Uncertain significance (1 of 4 stars; one submission).

Conditions:
Coffin-Siris syndrome 12. Identifiers: MedGen C5444111, MONDO:0025699, OMIM 619325.

Submission:

MVZ Medizinische Genetik Mainz
Classification: Uncertain significance for Coffin-Siris syndrome 12. Last evaluated: 2023-02-23. Review status: criteria provided, single submitter. Criteria: UK Practice Guidelines For Variant Classification V4 01 2020. Collection method: clinical testing. Allele origin: germline. Inheritance: Autosomal dominant inheritance. Affected: yes. Observed: 1 variant allele.
Comment: PVS1_STR, PM2_SUP